The following is an entry in ClinVar:

NM_024818.6(UBA5):c.813G>C (p.Lys271Asn)

Genes: NPHP3-ACAD11 (NPHP3-ACAD11 readthrough (NMD candidate); minus strand), UBA5 (ubiquitin like modifier activating enzyme 5; plus strand). Cytogenetic location: 3q22.1.
Variant type: single nucleotide variant.
Coding change: c.813G>C on transcript NM_024818.6 (MANE Select); coding-DNA position 813, G replaced by C.
Protein change: p.Lys271Asn; replaces lysine 271 with asparagine.
Molecular consequence: missense variant.
Genome position (GRCh38, 1-based): chr3:132,675,248, G>C. VCF-style: chr3-132675248-G-C. GRCh37 (hg19) VCF-style: chr3-132394092-G-C.
Other names: c.645G>C, p.Lys215Asn (NM_001320210.2, NM_198329.4); c.543G>C, p.Lys181Asn (NM_001321238.2); c.477G>C, p.Lys159Asn (NM_001321239.1); short protein forms K159N, K181N, K271N, K215N.
Identifiers: ClinVar variation 667029 (VCV000667029.4), dbSNP rs1576652827, ClinGen allele CA354575924.

ClinVar aggregate classification (germline): Uncertain significance (1 of 4 stars; one submission).

Allele frequency attached by ClinVar (database versions not stated): gnomAD exomes below 0.00001.

Submission:

Laboratory for Molecular Medicine, Mass General Brigham Personalized Medicine
Classification: Uncertain significance. Last evaluated: 2018-12-06. Review status: criteria provided, single submitter. Criteria: LMM Criteria. Collection method: clinical testing. Allele origin: germline. Observed: 2 variant alleles.
Comment: The p.Lys271Asn variant in UBA5 has not been previously reported in individuals with disease or in large population studies. Computational prediction tools and am ino acid conservation analysis suggest that the p.Lys271Asn variant may impact t he protein, though this information is not predictive enough to determine pathog enicity through a protein sequence change. This variant is located in the first base of the exon, which is part of the 3? splice region, making a splicing impac t possible; however, this position is not highly conserved such that a predicted impact to splicing is unclear. In summary, the clinical significance of the p.L ys271Asn variant is uncertain by ACMG/AMP criteria. ACMG/AMP Criteria applied: P M3, PM2, PP3.